The following is an entry in ClinVar:

ClinVar aggregate classification (germline): Uncertain significance (1 of 4 stars; one submission).

Conditions:
Familial sleep-related hypermotor epilepsy. Also called: Autosomal Dominant Sleep-Related Hypermotor (Hyperkinetic) Epilepsy. Identifiers: Orphanet 98784, MedGen C3696898, MONDO:0000030.

Submission:

Labcorp Genetics (formerly Invitae), Labcorp
Classification: Uncertain significance. Last evaluated: 2019-02-04. Review status: criteria provided, single submitter. Criteria: Invitae Variant Classification Sherloc (09022015). Collection method: clinical testing. Allele origin: germline.
Comment: In summary, the available evidence is currently insufficient to determine the role of this variant in disease. Therefore, it has been classified as a Variant of Uncertain Significance. Algorithms developed to predict the effect of missense changes on protein structure and function output the following: SIFT: "Tolerated"; PolyPhen-2: "Benign"; Align-GVGD: "Class C0". The arginine amino acid residue is found in multiple mammalian species, suggesting that this missense change does not adversely affect protein function. These predictions have not been confirmed by published functional studies and their clinical significance is uncertain. This variant has not been reported in the literature in individuals with CHRNA2-related conditions. This variant is not present in population databases (ExAC no frequency). This sequence change replaces histidine with arginine at codon 55 of the CHRNA2 protein (p.His55Arg). The histidine residue is moderately conserved and there is a small physicochemical difference between histidine and arginine.

NM_000742.4(CHRNA2):c.164A>G (p.His55Arg)

Gene: CHRNA2 (cholinergic receptor nicotinic alpha 2 subunit; minus strand). Cytogenetic location: 8p21.2.
Variant type: single nucleotide variant.
Coding change: c.164A>G on transcript NM_000742.4 (MANE Select); coding-DNA position 164, A replaced by G.
Protein change: p.His55Arg; replaces histidine 55 with arginine.
Molecular consequence: missense variant. On other transcripts: 5 prime UTR variant (4).
Genome position (GRCh38, 1-based): chr8:27,469,891, T>C on the plus strand (A>G on the coding strand, the complement: CHRNA2 is on the minus strand). VCF-style: chr8-27469891-T-C. GRCh37 (hg19) VCF-style: chr8-27327408-T-C.
Other names: c.164A>G, p.His55Arg (NM_001282455.2); c.-264A>G (NM_001347705.2); c.-309A>G (NM_001347706.2); c.-250A>G (NM_001347707.2); c.-298A>G (NM_001347708.2); short protein forms H55R.
Identifiers: ClinVar variation 851310 (VCV000851310.6), dbSNP rs1812820756, ClinGen allele CA370813237.